The following is an entry in ClinVar:

NM_152383.5(DIS3L2):c.56T>G (p.Val19Gly)

Gene: DIS3L2 (DIS3 like 3'-5' exoribonuclease 2; plus strand). Cytogenetic location: 2q37.1.
Variant type: single nucleotide variant.
Coding change: c.56T>G on transcript NM_152383.5 (MANE Select); coding-DNA position 56, T replaced by G.
Protein change: p.Val19Gly; replaces valine 19 with glycine.
Molecular consequence: missense variant. On other transcripts: non-coding transcript variant (2).
Genome position (GRCh38, 1-based): chr2:232,015,517, T>G. VCF-style: chr2-232015517-T-G. GRCh37 (hg19) VCF-style: chr2-232880227-T-G.
Other names: c.56T>G, p.Val19Gly (NM_001257281.2, NM_001257282.2); c.56T>G (NM_152383.4); short protein forms V19G.
Identifiers: ClinVar variation 1004715 (VCV001004715.9), dbSNP rs372201663, ClinGen allele CA67499248.

ClinVar aggregate classification (germline): Uncertain significance. Review status: criteria provided, multiple submitters, no conflicts (2 of 4 stars). 2 submissions from 2 submitters: Uncertain significance (2). Last evaluated 2024-01-17.

Conditions:
Inborn genetic diseases. Identifiers: MedGen C0950123, MeSH D030342.
Perlman syndrome (PRLMNS). Identifiers: Orphanet 2849, MedGen C0796113, MONDO:0009965, OMIM 267000.

Allele frequency attached by ClinVar (database versions not stated): gnomAD 0.00001; gnomAD exomes 0.00001; TOPMed 0.00002; ESP Exome Variant Server 0.00008.
gnomAD v4.1: 17 of 1,613,728 alleles (0.0011%); highest among the groups gnomAD compares: Non-Finnish European, 0.0014%; no homozygotes.

Submissions (2):

Ambry Genetics
Classification: Uncertain significance for Inborn genetic diseases. Last evaluated: 2024-01-17. Review status: criteria provided, single submitter. Criteria: Ambry Variant Classification Scheme 2023. Collection method: clinical testing. Allele origin: germline.

Labcorp Genetics (formerly Invitae), Labcorp
Classification: Uncertain significance for Perlman syndrome. Last evaluated: 2023-09-05. Review status: criteria provided, single submitter. Criteria: Invitae Variant Classification Sherloc (09022015). Collection method: clinical testing. Allele origin: germline.
Comment: This variant has not been reported in the literature in individuals affected with DIS3L2-related conditions. This sequence change replaces valine, which is neutral and non-polar, with glycine, which is neutral and non-polar, at codon 19 of the DIS3L2 protein (p.Val19Gly). This variant is present in population databases (rs372201663, gnomAD 0.002%). ClinVar contains an entry for this variant (Variation ID: 1004715). An algorithm developed to predict the effect of missense changes on protein structure and function (PolyPhen-2) suggests that this variant is likely to be tolerated. In summary, the available evidence is currently insufficient to determine the role of this variant in disease. Therefore, it has been classified as a Variant of Uncertain Significance.